The following is an entry in ClinVar:

ClinVar aggregate classification (germline): Benign. Review status: criteria provided, multiple submitters, no conflicts (2 of 4 stars). 2 submissions from 2 submitters: Benign (2). Last evaluated 2018-01-13.

Conditions:
Mitochondrial complex IV deficiency, nuclear type 1 (MC4DN1). Also called: COX DEFICIENCY; Mitochondrial complex IV deficiency; Complex 4 mitochondrial respiratory chain deficiency; Deficiency of mitochondrial respiratory chain complex4; Complex IV deficiency. Identifiers: MedGen C5435656, MONDO:0700250, OMIM 220110. Disease mechanism: loss of function.

Allele frequency attached by ClinVar (database versions not stated): gnomAD exomes 0.00343; gnomAD 0.03125 and 0.03356; 1000 Genomes Project 0.03215; TOPMed 0.03487.
gnomAD v4.1: 4,729 of 157,096 alleles (3%); highest among the groups gnomAD compares: African/African-American, 10%; 248 homozygotes.

Submissions (2):

Illumina Laboratory Services, Illumina
Classification: Benign for Mitochondrial complex IV deficiency, nuclear type 1. Last evaluated: 2018-01-13. Review status: criteria provided, single submitter. Criteria: ICSL Variant Classification Criteria 13 December 2019. Collection method: clinical testing. Allele origin: germline.
Comment: This variant was observed in the ICSL laboratory as part of a predisposition screen in an ostensibly healthy population. It had not been previously curated by ICSL or reported in the Human Gene Mutation Database (HGMD: prior to June 1st, 2018), and was therefore a candidate for classification through an automated scoring system. Utilizing variant allele frequency, disease prevalence and penetrance estimates, and inheritance mode, an automated score was calculated to assess if this variant is too frequent to cause the disease. Based on the score and internal cut-off values, a variant classified as benign is not then subjected to further curation. The score for this variant resulted in a classification of benign for this disease.

Breakthrough Genomics
Classification: Benign. Review status: criteria provided, single submitter. Criteria: ACMG Guidelines, 2015. Collection method: not provided. Allele origin: germline. Inheritance: Autosomal recessive inheritance. Affected: yes.

NM_001136193.2(FASTKD2):c.*557A>G

Gene: FASTKD2 (FAST kinase domains 2; plus strand). Cytogenetic location: 2q33.3.
Variant type: single nucleotide variant.
Coding change: c.*557A>G on transcript NM_001136193.2 (MANE Select); 557 bases downstream of the stop codon, A replaced by G.
Molecular consequence: 3 prime UTR variant.
Genome position (GRCh38, 1-based): chr2:206,792,359, A>G. VCF-style: chr2-206792359-A-G. GRCh37 (hg19) VCF-style: chr2-207657083-A-G.
Other names: c.*557A>G (NM_001136194.2, NM_014929.4).
Identifiers: ClinVar variation 333815 (VCV000333815.6), dbSNP rs7559712, ClinGen allele CA10613978.
Genomic context (GRCh38, chr2:206,792,359, plus strand): 5'-TGAGTGAGGATGGTATTTGTATTTGTAATAAGCACTGCAGGTAGAGATATTTCATGGGTT[A>G]TAATAAGAGAAACACAGATGAGATGTAGATGGTAAGGAGTCTTACTGTTGTTGGGGTCCT-3'